The following is an entry in ClinVar:

ClinVar aggregate classification (germline): Uncertain significance. Review status: criteria provided, multiple submitters, no conflicts (2 of 4 stars). 3 submissions from 3 submitters: Uncertain significance (3). Last evaluated 2025-04-23.

Conditions:
Hereditary cancer-predisposing syndrome. Also called: Hereditary Cancer Syndrome; Hereditary neoplastic syndrome; Tumor predisposition; Neoplastic Syndromes, Hereditary. Identifiers: Orphanet 140162, MedGen C0027672, MeSH D009386, MONDO:0015356.
Von Hippel-Lindau syndrome (VHLS). Also called: Von Hippel-Lindau; von Hippel–Lindau syndrome; VHL syndrome. Identifiers: Orphanet 892, MedGen C0019562, MONDO:0008667, OMIM 193300. Disease mechanism: loss of function.
Chuvash polycythemia. Also called: POLYCYTHEMIA, VHL-DEPENDENT. Identifiers: Orphanet 238557, MedGen C1837915, MONDO:0009892, OMIM 263400.

Submissions (3):

Ambry Genetics
Classification: Uncertain significance for Hereditary cancer-predisposing syndrome. Last evaluated: 2025-04-23. Review status: criteria provided, single submitter. Criteria: Ambry Variant Classification Scheme 2023. Collection method: clinical testing. Allele origin: germline.
Comment: The p.E16* variant (also known as c.46G>T), located in coding exon 1 of the VHL gene, results from a G to T substitution at nucleotide position 46. This changes the amino acid from a glutamic acid to a stop codon within coding exon 1. Premature stop codons are typically deleterious in nature; however, an alternate initiation codon exists 38 residues downstream from this alteration and is reported to result in a biologically active isoform known as VHL19 (Iliopoulos O et al. Proc. Natl. Acad. Sci. U.S.A. 1998 Sep;95(20):11661-6; Schoenfeld A et al. Proc. Natl. Acad. Sci. U.S. A. 1998 Jul;95(15)8817-22). Since supporting evidence is limited at this time, the clinical significance of this alteration remains unclear.

Labcorp Genetics (formerly Invitae), Labcorp
Classification: Uncertain significance for Von Hippel-Lindau syndrome; Chuvash polycythemia. Last evaluated: 2024-05-22. Review status: criteria provided, single submitter. Criteria: Invitae Variant Classification Sherloc (09022015). Collection method: clinical testing. Allele origin: germline.
Comment: This sequence change creates a premature translational stop signal (p.Glu16*) in the VHL gene. It is unclear whether it will result in an absent or disrupted protein product because an in-frame methionine located at codon 54 has the potential to rescue this variant. This variant is not present in population databases (gnomAD no frequency). This variant has not been reported in the literature in individuals affected with VHL-related conditions. ClinVar contains an entry for this variant (Variation ID: 456590). RNA analysis performed to evaluate the impact of this premature translational stop signal on mRNA splicing indicates it does not significantly alter splicing (Invitae). Several studies have shown that the VHL protein created from a downstream methionine located at codon 54 is biologically active, and exhibits properties similar to the full-length, wild-type protein (PMID: 9671762, 9751722). In summary, the available evidence is currently insufficient to determine the role of this variant in disease. Therefore, it has been classified as a Variant of Uncertain Significance.

GeneDx
Classification: Uncertain significance. Last evaluated: 2023-06-14. Review status: criteria provided, single submitter. Criteria: GeneDx Variant Classification Process June 2021. Collection method: clinical testing. Allele origin: germline. Affected: yes.
Comment: Not observed at significant frequency in large population cohorts (gnomAD); Nonsense variant predicted to result in protein truncation however there is an in-frame alternate start codon at M54 that may serve as a rescue (Iliopoulis et al., 1998; Schoenfeld et al., 1998; Blankenship et al., 1999); Has not been previously published as pathogenic or benign to our knowledge; This variant is associated with the following publications: (PMID: 9751722, 9671762, 10102622)

Literature cited by the submitters: PubMed 9671762 (cited by Labcorp Genetics (formerly Invitae), Labcorp); PubMed 9751722 (cited by Labcorp Genetics (formerly Invitae), Labcorp).

NM_000551.4(VHL):c.46G>T (p.Glu16Ter)

Gene: VHL (von Hippel-Lindau tumor suppressor; plus strand). Cytogenetic location: 3p25.3.
Variant type: single nucleotide variant.
Coding change: c.46G>T on transcript NM_000551.4 (MANE Select); coding-DNA position 46, G replaced by T.
Protein change: p.Glu16Ter; replaces glutamic acid 16 with a stop codon.
Molecular consequence: nonsense.
Genome position (GRCh38, 1-based): chr3:10,141,893, G>T. VCF-style: chr3-10141893-G-T. GRCh37 (hg19) VCF-style: chr3-10183577-G-T.
Other names: c.46G>T, p.Glu16Ter (NM_001354723.2, NM_198156.3); short protein forms E16*.
Identifiers: ClinVar variation 456590 (VCV000456590.16), dbSNP rs1060503556, ClinGen allele CA351747213.